The following is an entry in ClinVar:

ClinVar aggregate classification (germline): Uncertain significance (1 of 4 stars; one submission).

Conditions:
SMARCC2-related disorder. Also called: SMARCC2-related condition.

Submission:

PreventionGenetics, part of Exact Sciences
Classification: Uncertain significance for SMARCC2-related condition. Last evaluated: 2022-09-07. Review status: criteria provided, single submitter. Criteria: ACMG Guidelines, 2015. Collection method: clinical testing. Allele origin: germline.
Comment: The SMARCC2 c.2737A>G variant is predicted to result in the amino acid substitution p.Met913Val. To our knowledge, this variant has not been reported in the literature or in a large population database, indicating this variant is rare. At this time, the clinical significance of this variant is uncertain due to the absence of conclusive functional and genetic evidence.

NM_001330288.2(SMARCC2):c.2830A>G (p.Met944Val)

Gene: SMARCC2 (SWI/SNF related BAF chromatin remodeling complex subunit C2; minus strand). Cytogenetic location: 12q13.2.
Variant type: single nucleotide variant.
Coding change: c.2830A>G on transcript NM_001330288.2 (MANE Select); coding-DNA position 2830, A replaced by G.
Protein change: p.Met944Val; replaces methionine 944 with valine.
Molecular consequence: missense variant.
Genome position (GRCh38, 1-based): chr12:56,168,080, T>C on the plus strand (A>G on the coding strand, the complement: SMARCC2 is on the minus strand). VCF-style: chr12-56168080-T-C. GRCh37 (hg19) VCF-style: chr12-56561864-T-C.
Other names: c.2830A>G, p.Met944Val (NM_001130420.3, NM_139067.4); c.2737A>G, p.Met913Val (NM_003075.5); short protein forms M913V, M944V.
Identifiers: ClinVar variation 2634993 (VCV002634993.1), dbSNP rs2540859606, ClinGen allele CA385340697.